The following is an entry in ClinVar:

NM_031935.3(HMCN1):c.11867C>T (p.Ala3956Val)

Gene: HMCN1 (hemicentin 1; plus strand). Cytogenetic location: 1q31.1.
Variant type: single nucleotide variant.
Coding change: c.11867C>T on transcript NM_031935.3 (MANE Select); coding-DNA position 11867, C replaced by T.
Protein change: p.Ala3956Val; replaces alanine 3956 with valine.
Molecular consequence: missense variant.
Genome position (GRCh38, 1-based): chr1:186,119,209, C>T. VCF-style: chr1-186119209-C-T. GRCh37 (hg19) VCF-style: chr1-186088341-C-T.
Other names: short protein forms A3956V.
Identifiers: ClinVar variation 2982036 (VCV002982036.3), dbSNP rs769250182, ClinGen allele CA1294182.

ClinVar aggregate classification (germline): Uncertain significance (1 of 4 stars; one submission).

Allele frequency attached by ClinVar (database versions not stated): TOPMed below 0.00001; gnomAD exomes 0.00001; ExAC 0.00002.
gnomAD v4.1: 11 of 1,613,424 alleles (0.00068%); highest among the groups gnomAD compares: East Asian, 0.025%; no homozygotes.

Submission:

Labcorp Genetics (formerly Invitae), Labcorp
Classification: Uncertain significance. Last evaluated: 2022-11-28. Review status: criteria provided, single submitter. Criteria: Invitae Variant Classification Sherloc (09022015). Collection method: clinical testing. Allele origin: germline.
Comment: This sequence change replaces alanine, which is neutral and non-polar, with valine, which is neutral and non-polar, at codon 3956 of the HMCN1 protein (p.Ala3956Val). This variant is present in population databases (rs769250182, gnomAD 0.02%). This variant has not been reported in the literature in individuals affected with HMCN1-related conditions. Algorithms developed to predict the effect of missense changes on protein structure and function are either unavailable or do not agree on the potential impact of this missense change (SIFT: "Tolerated"; PolyPhen-2: "Possibly Damaging"; Align-GVGD: "Class C0"). In summary, the available evidence is currently insufficient to determine the role of this variant in disease. Therefore, it has been classified as a Variant of Uncertain Significance.